The following is an entry in ClinVar:

ClinVar aggregate classification (germline): Uncertain significance (1 of 4 stars; one submission).

Conditions:
PCNT-related disorder. Also called: PCNT-related condition.

gnomAD v4.1: 2 of 1,614,012 alleles (0.00012%); highest among the groups gnomAD compares: African/African-American, 0.0013%; no homozygotes.

Submission:

PreventionGenetics, part of Exact Sciences
Classification: Uncertain significance for PCNT-related condition. Last evaluated: 2025-06-12. Review status: criteria provided, single submitter. Criteria: ACMG Guidelines, 2015. Collection method: clinical testing. Allele origin: germline.
Comment: The PCNT c.7110C>T variant is not predicted to result in an amino acid change (p.=). To our knowledge, this variant has not been reported in the literature or in a large population database (gnomAD), indicating this variant is rare. This variant is predicted to alter splicing based on available splicing prediction programs (SpliceAI, Jaganathan et al. 2019. PubMed ID: 30661751). However, the use of computer prediction programs is not equivalent to functional evidence. At this time, the clinical significance of this variant is uncertain due to the absence of conclusive functional and genetic evidence.

NM_006031.6(PCNT):c.7110C>T (p.Ser2370=)

Gene: PCNT (pericentrin; plus strand). Cytogenetic location: 21q22.3.
Variant type: single nucleotide variant.
Coding change: c.7110C>T on transcript NM_006031.6 (MANE Select); coding-DNA position 7110, C replaced by T.
Protein change: p.Ser2370=; no amino-acid change (serine 2370 retained).
Molecular consequence: synonymous variant.
Genome position (GRCh38, 1-based): chr21:46,422,055, C>T. VCF-style: chr21-46422055-C-T. GRCh37 (hg19) VCF-style: chr21-47841969-C-T.
Other names: c.6756C>T, p.Ser2252= (NM_001315529.2).
Identifiers: ClinVar variation 4990124 (VCV004990124.1).